The following is an entry in ClinVar:

NM_001083962.2(TCF4):c.467C>G (p.Pro156Arg)

Gene: TCF4 (transcription factor 4; minus strand). Cytogenetic location: 18q21.2.
Variant type: single nucleotide variant.
Coding change: c.467C>G on transcript NM_001083962.2 (MANE Select); coding-DNA position 467, C replaced by G.
Protein change: p.Pro156Arg; replaces proline 156 with arginine.
Molecular consequence: missense variant.
Genome position (GRCh38, 1-based): chr18:55,350,906, G>C on the plus strand (C>G on the coding strand, the complement: TCF4 is on the minus strand). VCF-style: chr18-55350906-G-C. GRCh37 (hg19) VCF-style: chr18-53018137-G-C.
Other names: c.773C>G, p.Pro258Arg (NM_001243226.3); c.395C>G, p.Pro132Arg (NM_001243227.2, NM_001306207.1, NM_001369575.1 and 9 more transcripts); c.467C>G, p.Pro156Arg (NM_001243228.2, NM_001369567.1, NM_001369568.1 and 5 more transcripts); c.461C>G, p.Pro154Arg (NM_001243230.2); c.341C>G, p.Pro114Arg (NM_001243231.2, NM_001348211.2); c.254C>G, p.Pro85Arg (NM_001243232.1, NM_001306208.1); c.77C>G, p.Pro26Arg (NM_001243233.2, NM_001330605.3, NM_001348212.2 and 1 more transcripts); c.464C>G, p.Pro155Arg (NM_001369569.1, NM_001369570.1, NM_001369573.1); and 1 more; short protein forms P26R, P85R, P132R, P154R, P155R, P114R, P131R, P156R.
Identifiers: ClinVar variation 4746365 (VCV004746365.1).

ClinVar aggregate classification (germline): Uncertain significance (1 of 4 stars; one submission).

Conditions:
Pitt-Hopkins syndrome (PTHS). Also called: ENCEPHALOPATHY, SEVERE EPILEPTIC, WITH AUTONOMIC DYSFUNCTION; MENTAL RETARDATION, SYNDROMAL, WITH INTERMITTENT HYPERVENTILATION. Identifiers: Orphanet 2896, MedGen C1970431, MONDO:0012589, OMIM 610954.

Submission:

Labcorp Genetics (formerly Invitae), Labcorp
Classification: Uncertain significance for Pitt-Hopkins syndrome. Last evaluated: 2025-09-03. Review status: criteria provided, single submitter. Criteria: Invitae Variant Classification Sherloc (09022015). Collection method: clinical testing. Allele origin: germline.
Comment: This sequence change replaces proline, which is neutral and non-polar, with arginine, which is basic and polar, at codon 156 of the TCF4 protein (p.Pro156Arg). This variant is not present in population databases (gnomAD no frequency). This variant has not been reported in the literature in individuals affected with TCF4-related conditions. Invitae Evidence Modeling of protein sequence and biophysical properties (such as structural, functional, and spatial information, amino acid conservation, physicochemical variation, residue mobility, and thermodynamic stability) indicates that this missense variant is not expected to disrupt TCF4 protein function with a negative predictive value of 95%. In summary, the available evidence is currently insufficient to determine the role of this variant in disease. Therefore, it has been classified as a Variant of Uncertain Significance.